The following is an entry in ClinVar:

NM_000257.4(MYH7):c.1151C>A (p.Ser384Tyr)

Gene: MYH7 (myosin heavy chain 7; minus strand). Cytogenetic location: 14q11.2.
Variant type: single nucleotide variant.
Coding change: c.1151C>A on transcript NM_000257.4 (MANE Select); coding-DNA position 1151, C replaced by A.
Protein change: p.Ser384Tyr; replaces serine 384 with tyrosine.
Molecular consequence: missense variant.
Genome position (GRCh38, 1-based): chr14:23,429,335, G>T on the plus strand (C>A on the coding strand, the complement: MYH7 is on the minus strand). VCF-style: chr14-23429335-G-T. GRCh37 (hg19) VCF-style: chr14-23898544-G-T.
Other names: short protein forms S384Y.
Identifiers: ClinVar variation 132930 (VCV000132930.2), dbSNP rs606231319, ClinGen allele CA010290.

ClinVar aggregate classification (germline): Pathogenic (0 of 4 stars; one submission).

Conditions:
Familial cardiomyopathy. Identifiers: MedGen C0264789, MONDO:0005217.

Submission:

Evolutionary and Medical Genetics Laboratory,  Centre for Cellular and Molecular Biology
Classification: Pathogenic. Review status: no assertion criteria provided. Collection method: not provided. Allele origin: unknown.
Comment: Missense mutation/Non-synonymous
ClinVar note: Converted during submission from pathogenic to Pathogenic.